The following is an entry in ClinVar:

NM_004560.4(ROR2):c.496G>T (p.Asp166Tyr)

Gene: ROR2 (receptor tyrosine kinase like orphan receptor 2; minus strand). Cytogenetic location: 9q22.31.
Variant type: single nucleotide variant.
Coding change: c.496G>T on transcript NM_004560.4 (MANE Select); coding-DNA position 496, G replaced by T.
Protein change: p.Asp166Tyr; replaces aspartic acid 166 with tyrosine.
Molecular consequence: missense variant.
Genome position (GRCh38, 1-based): chr9:91,737,517, C>A on the plus strand (G>T on the coding strand, the complement: ROR2 is on the minus strand). VCF-style: chr9-91737517-C-A. GRCh37 (hg19) VCF-style: chr9-94499799-C-A.
Other names: c.496G>T, p.Asp166Tyr (NM_001318204.2); short protein forms D166Y.
Identifiers: ClinVar variation 1507867 (VCV001507867.8), dbSNP rs767615145, ClinGen allele CA5120988.

ClinVar aggregate classification (germline): Uncertain significance (1 of 4 stars; one submission).

Allele frequency attached by ClinVar (database versions not stated): gnomAD exomes below 0.00001 and 0.00002; TOPMed below 0.00001; ExAC 0.00002.

Submission:

Labcorp Genetics (formerly Invitae), Labcorp
Classification: Uncertain significance. Last evaluated: 2022-11-22. Review status: criteria provided, single submitter. Criteria: Invitae Variant Classification Sherloc (09022015). Collection method: clinical testing. Allele origin: germline.
Comment: ClinVar contains an entry for this variant (Variation ID: 1507867). In summary, the available evidence is currently insufficient to determine the role of this variant in disease. Therefore, it has been classified as a Variant of Uncertain Significance. Algorithms developed to predict the effect of missense changes on protein structure and function (SIFT, PolyPhen-2, Align-GVGD) all suggest that this variant is likely to be disruptive. This variant has not been reported in the literature in individuals affected with ROR2-related conditions. This variant is present in population databases (rs767615145, gnomAD 0.01%). This sequence change replaces aspartic acid, which is acidic and polar, with tyrosine, which is neutral and polar, at codon 166 of the ROR2 protein (p.Asp166Tyr).